The following is an entry in ClinVar:

ClinVar aggregate classification (germline): Likely benign (1 of 4 stars; one submission).

Submission:

GeneDx
Classification: Likely benign. Last evaluated: 2017-12-07. Review status: criteria provided, single submitter. Criteria: GeneDx Variant Classification (06012015). Collection method: clinical testing. Allele origin: germline. Affected: yes.
Comment: This variant is considered likely benign or benign based on one or more of the following criteria: it is a conservative change, it occurs at a poorly conserved position in the protein, it is predicted to be benign by multiple in silico algorithms, and/or has population frequency not consistent with disease.

NM_000018.4(ACADVL):c.1679-35CCCCCA[2]

Gene: ACADVL (acyl-CoA dehydrogenase very long chain; plus strand). Cytogenetic location: 17p13.1.
Variant type: Microsatellite.
Coding change: c.1679-35CCCCCA[2] on transcript NM_000018.4 (MANE Select); two copies in a row of the 6-base unit CCCCCA starting at c.1679-35.
Molecular consequence: intron variant.
Genome position: GRCh38 VCF-style: chr17-7224606-GCCCCCA-G. GRCh37 (hg19) VCF-style: chr17-7127925-GCCCCCA-G.
Other names: c.1748-35CCCCCA[2] (NM_001270447.2); c.1451-35CCCCCA[2] (NM_001270448.2); c.1613-35CCCCCA[2] (NM_001033859.3); c.1679-19_1679-14delCACCCC (NM_000018.2).
Identifiers: ClinVar variation 509120 (VCV000509120.1), dbSNP rs754154374, ClinGen allele CA8338221.